The following is an entry in ClinVar:

NM_001164508.2(NEB):c.24673-1G>A

Genes: NEB (nebulin; minus strand), RIF1 (replication timing regulatory factor 1; plus strand). Cytogenetic location: 2q23.3.
Variant type: single nucleotide variant.
Coding change: c.24673-1G>A on transcript NM_001164508.2 (MANE Select); the canonical splice acceptor site of the intron before coding-DNA position 24673, G replaced by A.
Molecular consequence: splice acceptor variant.
Genome position (GRCh38, 1-based): chr2:151,493,446, C>T on the plus strand (G>A on the coding strand, the complement: NEB is on the minus strand). VCF-style: chr2-151493446-C-T. GRCh37 (hg19) VCF-style: chr2-152349960-C-T.
Other names: c.19105-1G>A (NM_004543.5); c.24673-1G>A (NM_001164507.2); c.24778-1G>A (NM_001271208.2).
Identifiers: ClinVar variation 642413 (VCV000642413.7), dbSNP rs1574741105, ClinGen allele CA348775091.
Genomic context (GRCh38, chr2:151,493,446, plus strand): 5'-CTCCATCTCTGGAGTAACAGGTGTCGGAGTTGCTTTTCTCATGTTCTCTTTGTACAATAC[C>T]TAGGGAAGCCAAAAGAGCATCTAGGCATCAGACAGCAGAAAACCAGGTCTGAAAATCATC-3'

ClinVar aggregate classification (germline): Likely pathogenic (1 of 4 stars; one submission).

Conditions:
Nemaline myopathy 2 (NEM2). Also called: Nemaline myopathy 2, autosomal recessive. Identifiers: MedGen C1850569, MONDO:0009725, OMIM 256030.

gnomAD v4.1: 2 of 1,569,264 alleles (0.00013%); highest among the groups gnomAD compares: African/African-American, 0.0014%; no homozygotes.

Submission:

Labcorp Genetics (formerly Invitae), Labcorp
Classification: Likely pathogenic for Nemaline myopathy 2. Last evaluated: 2018-11-15. Review status: criteria provided, single submitter. Criteria: Invitae Variant Classification Sherloc (09022015). Collection method: clinical testing. Allele origin: germline.
Comment: In summary, the currently available evidence indicates that the variant is pathogenic, but additional data are needed to prove that conclusively. Therefore, this variant has been classified as Likely Pathogenic. Donor and acceptor splice site variants typically lead to a loss of protein function (PMID: 16199547), and loss-of-function variants in NEB are known to be pathogenic (PMID: 25205138). Algorithms developed to predict the effect of sequence changes on RNA splicing suggest that this variant may disrupt the consensus splice site, but this prediction has not been confirmed by published transcriptional studies. This variant has not been reported in the literature in individuals with NEB-related disease. This variant is not present in population databases (ExAC no frequency). This sequence change affects an acceptor splice site in intron 176 of the NEB gene. It is expected to disrupt RNA splicing and likely results in an absent or disrupted protein product.

Literature cited by the submitters: PubMed 16199547; PubMed 25205138.